The following is an entry in ClinVar:

NM_015450.3(POT1):c.1755G>T (p.Met585Ile)

Gene: POT1 (protection of telomeres 1; minus strand). Cytogenetic location: 7q31.33.
Variant type: single nucleotide variant.
Coding change: c.1755G>T on transcript NM_015450.3 (MANE Select); coding-DNA position 1755, G replaced by T.
Protein change: p.Met585Ile; replaces methionine 585 with isoleucine.
Molecular consequence: missense variant. On other transcripts: non-coding transcript variant (3).
Genome position (GRCh38, 1-based): chr7:124,825,289, C>A on the plus strand (G>T on the coding strand, the complement: POT1 is on the minus strand). VCF-style: chr7-124825289-C-A. GRCh37 (hg19) VCF-style: chr7-124465343-C-A.
Other names: c.1362G>T, p.Met454Ile (NM_001042594.2); short protein forms M454I, M585I.
Identifiers: ClinVar variation 1001508 (VCV001001508.9), dbSNP rs1794602607, ClinGen allele CA369062253.

ClinVar aggregate classification (germline): Uncertain significance (1 of 4 stars; one submission).

Conditions:
Tumor predisposition syndrome 3 (TPDS3). Also called: Glioma susceptibility 9; LONG TELOMERE SYNDROME, POT1-RELATED; POT1 Tumor Predisposition; Melanoma, cutaneous malignant, susceptibility to, 10. Identifiers: Orphanet 618, MedGen C4014476, MONDO:0014368, OMIM 615848.

Submission:

Labcorp Genetics (formerly Invitae), Labcorp
Classification: Uncertain significance for Tumor predisposition syndrome 3. Last evaluated: 2020-10-21. Review status: criteria provided, single submitter. Criteria: Invitae Variant Classification Sherloc (09022015). Collection method: clinical testing. Allele origin: germline.
Comment: Algorithms developed to predict the effect of missense changes on protein structure and function (SIFT, PolyPhen-2, Align-GVGD) all suggest that this variant is likely to be tolerated, but these predictions have not been confirmed by published functional studies and their clinical significance is uncertain. In summary, the available evidence is currently insufficient to determine the role of this variant in disease. Therefore, it has been classified as a Variant of Uncertain Significance. This variant has not been reported in the literature in individuals with POT1-related conditions. This variant is not present in population databases (ExAC no frequency). This sequence change replaces methionine with isoleucine at codon 585 of the POT1 protein (p.Met585Ile). The methionine residue is moderately conserved and there is a small physicochemical difference between methionine and isoleucine.